The following is an entry in ClinVar:

ClinVar aggregate classification (germline): Likely benign. Review status: criteria provided, multiple submitters, no conflicts (2 of 4 stars). 3 submissions from 3 submitters: Likely benign (3). Last evaluated 2026-08-10.

Conditions:
Inborn genetic diseases. Identifiers: MedGen C0950123, MeSH D030342.
Adult-onset proximal spinal muscular atrophy, autosomal dominant. Also called: FINKEL LATE-ADULT TYPE SMA; Spinal muscular atrophy, late-onset, finkel type. Identifiers: Orphanet 209335, MedGen C1854058, MONDO:0008453, OMIM 182980.
Amyotrophic lateral sclerosis type 8 (ALS8). Identifiers: Orphanet 803, MedGen C1837728, MONDO:0012077, OMIM 608627.
VAPB-related disorder. Also called: VAPB-related condition.

Allele frequency attached by ClinVar (database versions not stated): ExAC 0.00004; gnomAD 0.00007 and 0.00008; gnomAD exomes 0.00007 and 0.00011; TOPMed 0.00008.
gnomAD v4.1: 56 of 1,614,106 alleles (0.0035%); highest among the groups gnomAD compares: Admixed American, 0.09%; no homozygotes.

Submissions (3):

PreventionGenetics, part of Exact Sciences
Classification: Likely benign for VAPB-related condition. Last evaluated: 2026-08-10. Review status: criteria provided, single submitter. Criteria: ACMG Guidelines, 2015. Collection method: clinical testing. Allele origin: germline.
Comment: This variant is classified as likely benign based on ACMG/AMP sequence variant interpretation guidelines (Richards et al. 2015 PMID: 25741868, with internal and published modifications).

Labcorp Genetics (formerly Invitae), Labcorp
Classification: Likely benign for Adult-onset proximal spinal muscular atrophy, autosomal dominant; Amyotrophic lateral sclerosis type 8. Last evaluated: 2026-01-14. Review status: criteria provided, single submitter. Criteria: Invitae Variant Classification Sherloc (09022015). Collection method: clinical testing. Allele origin: germline.

Ambry Genetics
Classification: Likely benign for Inborn genetic diseases. Last evaluated: 2024-04-20. Review status: criteria provided, single submitter. Criteria: Ambry Variant Classification Scheme 2023. Collection method: clinical testing. Allele origin: germline.

NM_004738.5(VAPB):c.496G>A (p.Val166Ile)

Gene: VAPB (VAMP associated protein B and C; plus strand). Cytogenetic location: 20q13.32.
Variant type: single nucleotide variant.
Coding change: c.496G>A on transcript NM_004738.5 (MANE Select); coding-DNA position 496, G replaced by A.
Protein change: p.Val166Ile; replaces valine 166 with isoleucine.
Molecular consequence: missense variant. On other transcripts: non-coding transcript variant (1), intron variant (1).
Genome position (GRCh38, 1-based): chr20:58,441,006, G>A. VCF-style: chr20-58441006-G-A. GRCh37 (hg19) VCF-style: chr20-57016062-G-A.
Other names: c.212-3071G>A (NM_001195677.2); short protein forms V166I.
Identifiers: ClinVar variation 534268 (VCV000534268.15), dbSNP rs538630783, ClinGen allele CA9924272.
Genomic context (GRCh38, chr20:58,441,006, plus strand): 5'-TCAAAGACAGAAACACCAATAGTGTCTAAGTCTCTGAGTTCTTCTTTGGATGACACCGAA[G>A]TTAAGAAGGTTATGGAAGAATGTAAGAGGCTGCAAGGTGAAGTTCAGAGGCTACGGGAGG-3'
Protein context (NP_004729.1, residues 156-176): SLSSSLDDTE[Val166Ile]KKVMEECKRL